The following is an entry in ClinVar:

ClinVar aggregate classification (germline): Benign/Likely benign. Review status: criteria provided, multiple submitters, no conflicts (2 of 4 stars). 3 submissions from 3 submitters: Benign (1); Likely benign (2). Last evaluated 2025-09-10.

Conditions:
Acrodysostosis 2 with or without hormone resistance. Also called: ACRODYSOSTOSIS 2 WITH HORMONE RESISTANCE; ACRODYSOSTOSIS 2 WITHOUT HORMONE RESISTANCE. Identifiers: Orphanet 280651, MedGen C3553250, MONDO:0013822, OMIM 614613.

Allele frequency attached by ClinVar (database versions not stated): gnomAD 0.00001; gnomAD exomes 0.00002 and 0.00005; TOPMed 0.00002; ExAC 0.00008.
gnomAD v4.1: 30 of 1,596,028 alleles (0.0019%); highest among the groups gnomAD compares: East Asian, 0.043%; no homozygotes.

Submissions (3):

Labcorp Genetics (formerly Invitae), Labcorp
Classification: Likely benign. Last evaluated: 2025-09-10. Review status: criteria provided, single submitter. Criteria: Invitae Variant Classification Sherloc (09022015). Collection method: clinical testing. Allele origin: germline.

Blueprint Genetics
Classification: Likely benign. Last evaluated: 2023-11-08. Review status: criteria provided, single submitter. Criteria: ACMG Guidelines, 2015. Collection method: clinical testing. Allele origin: germline.

Illumina Laboratory Services, Illumina
Classification: Benign for Acrodysostosis 2 with or without hormone resistance. Last evaluated: 2018-01-12. Review status: criteria provided, single submitter. Criteria: ICSL Variant Classification Criteria 13 December 2019. Collection method: clinical testing. Allele origin: germline.
Comment: This variant was observed in the ICSL laboratory as part of a predisposition screen in an ostensibly healthy population. It had not been previously curated by ICSL or reported in the Human Gene Mutation Database (HGMD: prior to June 1st, 2018), and was therefore a candidate for classification through an automated scoring system. Utilizing variant allele frequency, disease prevalence and penetrance estimates, and inheritance mode, an automated score was calculated to assess if this variant is too frequent to cause the disease. Based on the score and internal cut-off values, a variant classified as benign is not then subjected to further curation. The score for this variant resulted in a classification of benign for this disease.

NM_001104631.2(PDE4D):c.993G>A (p.Glu331=)

Gene: PDE4D (phosphodiesterase 4D; minus strand). Cytogenetic location: 5q11.2.
Variant type: single nucleotide variant.
Coding change: c.993G>A on transcript NM_001104631.2 (MANE Select); coding-DNA position 993, G replaced by A.
Protein change: p.Glu331=; no amino-acid change (glutamic acid 331 retained).
Molecular consequence: synonymous variant.
Genome position (GRCh38, 1-based): chr5:58,993,394, C>T on the plus strand (G>A on the coding strand, the complement: PDE4D is on the minus strand). VCF-style: chr5-58993394-C-T. GRCh37 (hg19) VCF-style: chr5-58289221-C-T.
Other names: c.810G>A, p.Glu270= (NM_001165899.2, NM_001364599.1); c.801G>A, p.Glu267= (NM_001197218.2); c.627G>A, p.Glu209= (NM_001197219.2); c.603G>A, p.Glu201= (NM_001197220.2); c.87G>A, p.Glu29= (NM_001197221.2, NM_001364603.1); c.321G>A, p.Glu107= (NM_001197222.2); c.120G>A, p.Glu40= (NM_001197223.2); c.780G>A, p.Glu260= (NM_001349241.2); and 3 more.
Identifiers: ClinVar variation 907639 (VCV000907639.12), dbSNP rs768712121, ClinGen allele CA3276179.